The following is an entry in ClinVar:

NM_000203.5(IDUA):c.675_677delinsT (p.Thr227fs)

Gene: IDUA (alpha-L-iduronidase; plus strand). Cytogenetic location: 4p16.3.
Variant type: Indel.
Coding change: c.675_677delinsT on transcript NM_000203.5 (MANE Select); coding-DNA positions 675 to 677, CCA replaced by T.
Protein change: p.Thr227fs; shifts the reading frame from threonine 227.
Molecular consequence: frameshift variant. On other transcripts: non-coding transcript variant (1).
Genome position (GRCh38, 1-based): chr4:1,001,764-1,001,766, CCA replaced by T. VCF-style: chr4-1001764-CCA-T. GRCh37 (hg19) VCF-style: chr4-995552-CCA-T.
Other names: c.279_281delinsT, p.Thr95fs (NM_001363576.1); short protein forms T227fs, T95fs.
Identifiers: ClinVar variation 1723956 (VCV001723956.2), dbSNP rs2534084987, ClinGen allele CA2580070653.

ClinVar aggregate classification (germline): Likely pathogenic (1 of 4 stars; one submission).

Conditions:
Mucopolysaccharidosis, MPS-I-H/S. Also called: Mucopolysaccharidosis type IH/S. Identifiers: Orphanet 93476, MedGen C0086431, MONDO:0011759, OMIM 607015.

Submission:

Myriad Genetics, Inc.
Classification: Likely pathogenic for Mucopolysaccharidosis, MPS-I-H/S. Last evaluated: 2022-01-15. Review status: criteria provided, single submitter. Criteria: Myriad Women's Health Autosomal Recessive and X-Linked Classification Criteria (2021). Collection method: clinical testing. Allele origin: unknown.
Comment: NM_000203.3(IDUA):c.675_677delCCAinsT(T227Pfs*171) is expected to be pathogenic in the context of mucopolysaccharidosis type I. This variant is predicted to lead to an abnormal or absent protein product due to the creation of a premature termination codon in IDUA, a gene where loss-of-function variants are known to be pathogenic. Please note: this variant was assessed in the context of healthy population screening.